The following is an entry in ClinVar:

ClinVar aggregate classification (germline): Benign/Likely benign. Review status: criteria provided, multiple submitters, no conflicts (2 of 4 stars). 7 submissions from 6 submitters: Benign (5); Likely benign (2). Last evaluated 2026-05-11.

Conditions:
Pituitary hormone deficiency, combined, 6. Identifiers: MedGen C3151440, MONDO:0013518, OMIM 613986.
Anophthalmia-microphthalmia syndrome. Also called: Anophthalmia/Microphthalmia; Anophthalmia - microphthalmia. Identifiers: Orphanet 98555, MedGen C5680330, MONDO:0020147.
Syndromic microphthalmia type 5 (MCOPS5). Also called: RETINAL DYSTROPHY, EARLY-ONSET, WITH PITUITARY DYSFUNCTION; RETINAL DYSTROPHY, EARLY-ONSET, WITHOUT PITUITARY DYSFUNCTION. Identifiers: Orphanet 178364, MedGen C1864690, MONDO:0012413, OMIM 610125.

Allele frequency attached by ClinVar (database versions not stated): 1000 Genomes Project 30x 0.00406; 1000 Genomes Project 0.00439; gnomAD 0.00889; TOPMed 0.00991; ExAC 0.01021; gnomAD exomes 0.01021 and 0.01356; ESP Exome Variant Server 0.01092.
gnomAD v4.1: 20,923 of 1,583,370 alleles (1.3%); highest among the groups gnomAD compares: Non-Finnish European, 1.5%; 171 homozygotes.

Submissions (7):

Women's Health and Genetics/Laboratory Corporation of America, LabCorp
Classification: Benign. Last evaluated: 2026-05-11. Review status: criteria provided, single submitter. Criteria: LabCorp Variant Classification Summary - May 2015. Collection method: clinical testing. Allele origin: germline.

Labcorp Genetics (formerly Invitae), Labcorp
Classification: Benign for Anophthalmia-microphthalmia syndrome. Last evaluated: 2026-01-27. Review status: criteria provided, single submitter. Criteria: Invitae Variant Classification Sherloc (09022015). Collection method: clinical testing. Allele origin: germline.

Blueprint Genetics
Classification: Likely benign. Last evaluated: 2024-11-27. Review status: criteria provided, single submitter. Criteria: ACMG Guidelines, 2015. Collection method: clinical testing. Allele origin: germline.

Illumina Laboratory Services, Illumina
Classification: Benign for Pituitary hormone deficiency, combined, 6. Last evaluated: 2018-03-06. Review status: criteria provided, single submitter. Criteria: ICSL Variant Classification Criteria 13 December 2019. Collection method: clinical testing. Allele origin: germline.
Comment: This variant was observed in the ICSL laboratory as part of a predisposition screen in an ostensibly healthy population. It had not been previously curated by ICSL or reported in the Human Gene Mutation Database (HGMD: prior to June 1st, 2018), and was therefore a candidate for classification through an automated scoring system. Utilizing variant allele frequency, disease prevalence and penetrance estimates, and inheritance mode, an automated score was calculated to assess if this variant is too frequent to cause the disease. Based on the score and internal cut-off values, a variant classified as benign is not then subjected to further curation. The score for this variant resulted in a classification of benign for this disease.

Illumina Laboratory Services, Illumina
Classification: Benign for Syndromic microphthalmia type 5. Last evaluated: 2018-03-06. Review status: criteria provided, single submitter. Criteria: ICSL Variant Classification Criteria 13 December 2019. Collection method: clinical testing. Allele origin: germline.
Comment: the same text as in the submission from Illumina Laboratory Services, Illumina above.

GeneDx
Classification: Benign. Last evaluated: 2015-03-03. Review status: criteria provided, single submitter. Criteria: GeneDx Variant Classification Process June 2021. Collection method: clinical testing. Allele origin: germline. Affected: yes.
Comment: This variant is associated with the following publications: (PMID: 17541950)

Breakthrough Genomics
Classification: Likely benign. Review status: criteria provided, single submitter. Criteria: ACMG Guidelines, 2015. Collection method: not provided. Allele origin: germline. Inheritance: Autosomal dominant inheritance. Affected: yes.

NM_021728.4(OTX2):c.97+12C>T

Gene: OTX2 (orthodenticle homeobox 2; minus strand). Cytogenetic location: 14q22.3.
Variant type: single nucleotide variant.
Coding change: c.97+12C>T on transcript NM_021728.4 (MANE Select); 12 bases into the intron after coding-DNA position 97, C replaced by T.
Molecular consequence: intron variant.
Genome position (GRCh38, 1-based): chr14:56,805,348, G>A on the plus strand (C>T on the coding strand, the complement: OTX2 is on the minus strand). VCF-style: chr14-56805348-G-A. GRCh37 (hg19) VCF-style: chr14-57272066-G-A.
Other names: c.97+12C>T (NM_001270523.2, NM_001270524.2, NM_172337.3 and 1 more transcripts).
Identifiers: ClinVar variation 313422 (VCV000313422.19), dbSNP rs28757218, ClinGen allele CA7200567.